The following is an entry in ClinVar:

NM_001386795.1(DTNA):c.1176-5A>G

Gene: DTNA (dystrobrevin alpha; plus strand). Cytogenetic location: 18q12.1.
Variant type: single nucleotide variant.
Coding change: c.1176-5A>G on transcript NM_001386795.1 (MANE Select); 5 bases into the intron before coding-DNA position 1176, A replaced by G.
Molecular consequence: intron variant.
Genome position (GRCh38, 1-based): chr18:34,838,089, A>G. VCF-style: chr18-34838089-A-G. GRCh37 (hg19) VCF-style: chr18-32418053-A-G.
Other names: c.1095-10207A>G (NM_032975.4, NM_001386761.1, NM_001386762.1 and 1 more transcripts); c.1175+8600A>G (NM_001386754.1, NM_001386755.1, NM_001386760.1 and 5 more transcripts); c.1086-10207A>G (NM_001386763.1, NM_001386764.1, NM_001386768.1 and 13 more transcripts); c.604-13742A>G (NM_001198945.2); c.1176-5A>G (NM_001386788.1); c.1086-5A>G (NM_032978.7); c.1095-5A>G (NM_001390.5, NM_001391.5); c.336-10207A>G (NM_001198943.1); and 4 more.
Identifiers: ClinVar variation 3605724 (VCV003605724.2).

ClinVar aggregate classification (germline): Uncertain significance (1 of 4 stars; one submission).

Conditions:
Left ventricular noncompaction 1 (LVNC1). Also called: LEFT VENTRICULAR NONCOMPACTION 1 WITH OR WITHOUT CONGENITAL HEART DEFECTS. Identifiers: Orphanet 54260, MedGen C1858725, MONDO:0011403, OMIM 604169.

gnomAD v4.1: 1 of 1,613,738 alleles (0.000062%); highest among the groups gnomAD compares: Admixed American, 0.0017%; no homozygotes.

Submission:

Labcorp Genetics (formerly Invitae), Labcorp
Classification: Uncertain significance for Left ventricular noncompaction 1. Last evaluated: 2025-01-30. Review status: criteria provided, single submitter. Criteria: Invitae Variant Classification Sherloc (09022015). Collection method: clinical testing. Allele origin: germline.
Comment: This sequence change falls in intron 10 of the DTNA gene. It does not directly change the encoded amino acid sequence of the DTNA protein. This variant is not present in population databases (gnomAD no frequency). This variant has not been reported in the literature in individuals affected with DTNA-related conditions. Algorithms developed to predict the effect of sequence changes on RNA splicing suggest that this variant may disrupt the consensus splice site. In summary, the available evidence is currently insufficient to determine the role of this variant in disease. Therefore, it has been classified as a Variant of Uncertain Significance.